The following is an entry in ClinVar:

NM_001267550.2(TTN):c.2996G>C (p.Arg999Pro)

Gene: TTN (titin; minus strand). Cytogenetic location: 2q31.2.
Variant type: single nucleotide variant.
Coding change: c.2996G>C on transcript NM_001267550.2 (MANE Select); coding-DNA position 2996, G replaced by C.
Protein change: p.Arg999Pro; replaces arginine 999 with proline.
Molecular consequence: missense variant.
Genome position (GRCh38, 1-based): chr2:178,782,910, C>G on the plus strand (G>C on the coding strand, the complement: TTN is on the minus strand). VCF-style: chr2-178782910-C-G. GRCh37 (hg19) VCF-style: chr2-179647637-C-G.
Other names: c.2996G>C, p.Arg999Pro (NM_001256850.1, NM_133378.4, NM_133379.5); c.2858G>C, p.Arg953Pro (NM_003319.4, NM_133432.3, NM_133437.4); short protein forms R953P, R999P.
Identifiers: ClinVar variation 811216 (VCV000811216.8), dbSNP rs371757623, ClinGen allele CA349490648.

ClinVar aggregate classification (germline): Uncertain significance (1 of 4 stars; one submission).

Submission:

ARUP Laboratories, Molecular Genetics and Genomics, ARUP Laboratories
Classification: Uncertain significance. Last evaluated: 2018-12-12. Review status: criteria provided, single submitter. Criteria: ARUP Molecular Germline Variant Investigation Process. Collection method: clinical testing. Allele origin: germline.
Comment: The TTN c.2996G>C; p.Arg999Pro variant is rare in the general population (<1% allele frequency in the Genome Aggregation Database) and has not been reported in the medical literature in association with dilated cardiomyopathy (DCM) or other TTN-related disease. The clinical relevance of rare missense variants in this gene, which are identified on average once per individual sequenced in affected populations (Herman 2012), is not well understood. Yet, evidence suggests that the vast majority of such missense variants do not contribute to the clinical outcome of DCM (Begay 2015). Thus, the clinical significance of the p.Arg999Pro variant cannot be determined with certainty. References: Begay RL et al. Role of Titin Missense Variants in Dilated Cardiomyopathy. J Am Heart Assoc. 2015 Nov 13;4(11). Herman DS et al. Truncations of titin causing dilated cardiomyopathy. N Engl J Med. 2012 Feb 16;366(7):619-28.